The following is an entry in ClinVar:

NM_017763.6(RNF43):c.1365T>C (p.Ser455=)

Gene: RNF43 (ring finger protein 43; minus strand). Cytogenetic location: 17q22.
Variant type: single nucleotide variant.
Coding change: c.1365T>C on transcript NM_017763.6 (MANE Select); coding-DNA position 1365, T replaced by C.
Protein change: p.Ser455=; no amino-acid change (serine 455 retained).
Molecular consequence: synonymous variant.
Genome position (GRCh38, 1-based): chr17:58,358,411, A>G on the plus strand (T>C on the coding strand, the complement: RNF43 is on the minus strand). VCF-style: chr17-58358411-A-G. GRCh37 (hg19) VCF-style: chr17-56435772-A-G.
Other names: c.1365T>C, p.Ser455= (NM_001305544.3, NM_001438820.1, NM_001438821.1 and 1 more transcripts); c.984T>C, p.Ser328= (NM_001305545.2, NM_001437987.1).
Identifiers: ClinVar variation 5028375 (VCV005028375.2).

ClinVar aggregate classification (germline): Benign/Likely benign. Review status: criteria provided, multiple submitters, no conflicts (2 of 4 stars). 2 submissions from 2 submitters: Benign (1); Likely benign (1). Last evaluated 2026-09-14.

Conditions:
Sessile serrated polyposis cancer syndrome (SSPCS). Identifiers: Orphanet 157798, MedGen C4310714, MONDO:0014919, OMIM 617108.

Submissions (2):

Ambry Genetics
Classification: Likely benign. Last evaluated: 2026-09-14. Review status: criteria provided, single submitter. Criteria: Ambry Variant Classification Scheme 2023. Collection method: clinical testing. Allele origin: germline.

Myriad Genetics, Inc.
Classification: Benign for Sessile serrated polyposis cancer syndrome. Last evaluated: 2026-07-01. Review status: criteria provided, single submitter. Criteria: Myriad Autosomal Dominant, Autosomal Recessive and X-Linked Classification Criteria (2023). Collection method: clinical testing. Allele origin: unknown.
Comment: This variant is considered benign. This variant is a silent/synonymous amino acid change and it is not expected to impact splicing.